The following is an entry in ClinVar:

NM_002202.3(ISL1):c.541A>T (p.Thr181Ser)

Gene: ISL1 (ISL LIM homeobox 1; plus strand). Cytogenetic location: 5q11.1.
Variant type: single nucleotide variant.
Coding change: c.541A>T on transcript NM_002202.3 (MANE Select); coding-DNA position 541, A replaced by T.
Protein change: p.Thr181Ser; replaces threonine 181 with serine.
Molecular consequence: missense variant.
Genome position (GRCh38, 1-based): chr5:51,389,708, A>T. VCF-style: chr5-51389708-A-T. GRCh37 (hg19) VCF-style: chr5-50685542-A-T.
Other names: short protein forms T181S.
Identifiers: ClinVar variation 2636127 (VCV002636127.5), dbSNP rs200209474, ClinGen allele CA3261028.

ClinVar aggregate classification (germline): Uncertain significance. Review status: criteria provided, multiple submitters, no conflicts (2 of 4 stars). 2 submissions from 2 submitters: Uncertain significance (2). Last evaluated 2026-03-31.

Conditions:
ISL1-related disorder. Also called: ISL1-related condition.

Allele frequency attached by ClinVar (database versions not stated): 1000 Genomes Project 0.00040; 1000 Genomes Project 30x 0.00047; ExAC 0.00014; gnomAD 0.00027; TOPMed 0.00050.
gnomAD v4.1: 256 of 1,613,766 alleles (0.016%); highest among the groups gnomAD compares: Middle Eastern, 0.2%; no homozygotes.

Submissions (2):

GeneDx
Classification: Uncertain significance. Last evaluated: 2026-03-31. Review status: criteria provided, single submitter. Criteria: GeneDx Variant Classification Process June 2021. Collection method: clinical testing. Allele origin: germline.
Comment: In silico analysis suggests that this missense variant does not alter protein structure/function; Has not been previously published as pathogenic or benign to our knowledge

PreventionGenetics, part of Exact Sciences
Classification: Uncertain significance for ISL1-related condition. Last evaluated: 2026-01-30. Review status: criteria provided, single submitter. Criteria: ACMG Guidelines, 2015. Collection method: clinical testing. Allele origin: germline.
Comment: The ISL1 c.541A>T variant is predicted to result in the amino acid substitution p.Thr181Ser. To our knowledge, this variant has not been reported in the literature in association with obesity; however, this variant has been previously observed in a genome-wide association study of individuals with isolated classic bladder exstrophy (CBE) (Draaken et al. 2015. PubMed ID: 25763902). This variant is reported in 0.042% of alleles in individuals of Latino descent in gnomAD. At this time, the clinical significance of this variant is uncertain due to the absence of conclusive functional and genetic evidence.